The following is an entry in ClinVar:

ClinVar aggregate classification (germline): Uncertain significance. Review status: reviewed by expert panel (3 of 4 stars). 3 submissions from 3 submitters: Uncertain significance (1). 2 of the submissions do not count toward it. Last evaluated 2023-03-27.

Conditions:
Very long chain acyl-CoA dehydrogenase deficiency (ACADVLD). Also called: Very Long-Chain Acyl-Coenzyme A Dehydrogenase Deficiency; VLCAD Deficiency. Identifiers: Orphanet 26793, MedGen C3887523, MONDO:0008723, OMIM 201475.

Submissions (3):

ClinGen ACADVL Variant Curation Expert Panel, ClinGen
Classification: Uncertain significance for Very long chain acyl-CoA dehydrogenase deficiency. Last evaluated: 2023-03-27. Review status: reviewed by expert panel. Criteria: clingen acadvl acmg specifications v1. Collection method: curation. Allele origin: germline. Inheritance: Autosomal recessive inheritance.
Comment: NM_000018.4(ACADVL); c.1309A>G(p.Met437Val) variant in ACADVL is a missense variant predicted to cause substitution of methionine by valine at amino acid 437 (p.Met437Val). This variant is absent from gnomAD v2.1.1 (PM2_Supporting). VLCAD activity and protein expression assays in transfected patient fibroblasts showed marked reductions indicating that this variant impacts protein function (PMID 11914034, PS3_Supporting). Due to limited evidence, this variant is classified as a variant of uncertain significance for autosomal recessive VLCAD deficiency based on the ACMG/AMP criteria applied, as specified by the ClinGen ACADVL Variant Curation Expert Panel: PM2_Supporting, PS3_Supporting.

Baylor Genetics
Classification: Likely pathogenic for Very long chain acyl-CoA dehydrogenase deficiency. Last evaluated: 2023-03-16. Review status: criteria provided, single submitter. Criteria: ACMG Guidelines, 2015. Collection method: clinical testing. Allele origin: unknown. Not counted in ClinVar's aggregate classification.

Wong Mito Lab, Molecular and Human Genetics, Baylor College of Medicine
Classification: Pathogenic for Very long chain acyl-CoA dehydrogenase deficiency. Last evaluated: 2019-11-01. Review status: criteria provided, single submitter. Criteria: ACMG Guidelines, 2015. Collection method: clinical testing. Allele origin: germline. Not counted in ClinVar's aggregate classification.
Comment: The NM_000018.3:c.1309A>G (NP_000009.1:p.Met437Val) [GRCH38: NC_000017.11:g.7223852A>G] variant in ACADVL gene is interpretated to be Pathogenic based on ACMG guidelines (PMID: 25741868). This variant has been reported in PMID: 11914034. This variant meets the following evidence codes reported in the ACMG guidelines: PS1, PS3

Literature cited by the submitters: PubMed 11914034 (cited by Wong Mito Lab, Molecular and Human Genetics, Baylor College of Medicine).

NM_000018.4(ACADVL):c.1309A>G (p.Met437Val)

Gene: ACADVL (acyl-CoA dehydrogenase very long chain; plus strand). Cytogenetic location: 17p13.1.
Variant type: single nucleotide variant.
Coding change: c.1309A>G on transcript NM_000018.4 (MANE Select); coding-DNA position 1309, A replaced by G.
Protein change: p.Met437Val; replaces methionine 437 with valine.
Molecular consequence: missense variant.
Genome position (GRCh38, 1-based): chr17:7,223,852, A>G. VCF-style: chr17-7223852-A-G. GRCh37 (hg19) VCF-style: chr17-7127171-A-G.
Other names: NM_000018.4(ACADVL):c.1309A>G; p.Met437Val; c.1243A>G, p.Met415Val (NM_001033859.3); c.1378A>G, p.Met460Val (NM_001270447.2); c.1081A>G, p.Met361Val (NM_001270448.2); short protein forms M437V, M361V, M415V, M460V.
Identifiers: ClinVar variation 932842 (VCV000932842.4), dbSNP rs2071345754, ClinGen allele CA397724835.